The following is an entry in ClinVar:

NC_000015.9:g.(?_43891760)_(43910999_?)del

Gene: STRC (stereocilin; minus strand). Cytogenetic location: 15q15.3.
Variant type: Deletion.
Identifiers: ClinVar variation 3336553 (VCV003336553.1).

ClinVar aggregate classification (germline): Pathogenic (1 of 4 stars; one submission).

Conditions:
Nonsyndromic genetic hearing loss. Also called: Nonsyndromic genetic deafness; Non-syndromic genetic deafness; Nonsyndromic hearing loss and deafness. Identifiers: Orphanet 87884, MedGen C5680182, MONDO:0019497.

Submission:

Women's Health and Genetics/Laboratory Corporation of America, LabCorp
Classification: Pathogenic for Nonsyndromic genetic hearing loss. Last evaluated: 2024-05-30. Review status: criteria provided, single submitter. Criteria: LabCorp Variant Classification Summary - May 2015. Collection method: clinical testing. Allele origin: germline.
Comment: Variant summary: The variant involves the deletion of exons 1-29 in the STRC gene. A presumed nomenclature of c.(?_-79)_(*110_?)del has been designated for the purposes of this classification. The variant allele was found at a frequency of 0.009 in 19934 control chromosomes. This deletion includes the entire coding sequence of the gene. As the exact proximal and distal breakpoints are unknown, it may extend beyond the annotated region of the gene to include other flanking genes. The observed variant frequency is approximately 8- fold of the estimated maximal expected allele frequency for a pathogenic variant in STRC causing Nonsyndromic Hearing Loss And Deafness, Type 16 phenotype (0.0011) (gnomAD SVs dataset v2). c.(?_-79)_(*110_?)del has been reported in the literature in multiple individuals affected with Nonsyndromic Hearing Loss And Deafness (example, Francey_2012). These data indicate that the variant is very likely to be associated with disease. To our knowledge, no experimental evidence demonstrating an impact on protein function has been reported. The following publication has been ascertained in the context of this evaluation (PMID: 22147502). ClinVar contains an entry for this variant (Variation ID: 165295, 871152). Based on the evidence outlined above, the variant was classified as pathogenic.

Literature cited by the submitters: PubMed 22147502.